The following is an entry in ClinVar:

ClinVar aggregate classification (germline): Benign (0 of 4 stars; one submission).

Conditions:
PXDNL-related disorder. Also called: PXDNL-related condition.

Allele frequency attached by ClinVar (database versions not stated): 1000 Genomes Project 0.18151; 1000 Genomes Project 30x 0.18317; ExAC 0.20814; TOPMed 0.21650; gnomAD 0.22130; gnomAD exomes 0.22549; ESP Exome Variant Server 0.23307.
gnomAD v4.1: 356,170 of 1,583,850 alleles (22%); highest among the groups gnomAD compares: African/African-American, 24%; 41,399 homozygotes.

Submission:

PreventionGenetics, part of Exact Sciences
Classification: Benign for PXDNL-related condition. Last evaluated: 2019-10-28. Review status: no assertion criteria provided. Collection method: clinical testing. Allele origin: germline.
Comment: This variant is classified as benign based on ACMG/AMP sequence variant interpretation guidelines (Richards et al. 2015 PMID: 25741868, with internal and published modifications).

NM_144651.5(PXDNL):c.4017-7T>C

Gene: PXDNL (peroxidasin like; minus strand). Cytogenetic location: 8q11.22.
Variant type: single nucleotide variant.
Coding change: c.4017-7T>C on transcript NM_144651.5 (MANE Select); 7 bases into the intron before coding-DNA position 4017, T replaced by C.
Molecular consequence: intron variant.
Genome position (GRCh38, 1-based): chr8:51,339,760, A>G on the plus strand (T>C on the coding strand, the complement: PXDNL is on the minus strand). VCF-style: chr8-51339760-A-G. GRCh37 (hg19) VCF-style: chr8-52252320-A-G.
Identifiers: ClinVar variation 3059469 (VCV003059469.2), dbSNP rs16916011, ClinGen allele CA4744597.